The following is an entry in ClinVar:

ClinVar aggregate classification (germline): Uncertain significance (1 of 4 stars; one submission).

Allele frequency attached by ClinVar (database versions not stated): gnomAD 0.00005; TOPMed 0.00005; ExAC 0.00010.
gnomAD v4.1: 156 of 1,613,410 alleles (0.0097%); highest among the groups gnomAD compares: Non-Finnish European, 0.013%; no homozygotes.

Submission:

Labcorp Genetics (formerly Invitae), Labcorp
Classification: Uncertain significance. Last evaluated: 2023-11-24. Review status: criteria provided, single submitter. Criteria: Invitae Variant Classification Sherloc (09022015). Collection method: clinical testing. Allele origin: germline.
Comment: This sequence change replaces arginine, which is basic and polar, with glutamine, which is neutral and polar, at codon 920 of the DGKZ protein (p.Arg920Gln). This variant is present in population databases (rs756085944, gnomAD 0.02%). This variant has not been reported in the literature in individuals affected with DGKZ-related conditions. ClinVar contains an entry for this variant (Variation ID: 2189073). An algorithm developed to predict the effect of missense changes on protein structure and function (PolyPhen-2) suggests that this variant is likely to be disruptive. In summary, the available evidence is currently insufficient to determine the role of this variant in disease. Therefore, it has been classified as a Variant of Uncertain Significance.

NM_001199267.2(DGKZ):c.2192G>A (p.Arg731Gln)

Gene: DGKZ (diacylglycerol kinase zeta; plus strand). Cytogenetic location: 11p11.2.
Variant type: single nucleotide variant.
Coding change: c.2192G>A on transcript NM_001199267.2 (MANE Select); coding-DNA position 2192, G replaced by A.
Protein change: p.Arg731Gln; replaces arginine 731 with glutamine.
Molecular consequence: missense variant.
Genome position (GRCh38, 1-based): chr11:46,376,557, G>A. VCF-style: chr11-46376557-G-A. GRCh37 (hg19) VCF-style: chr11-46398107-G-A.
Other names: c.2759G>A, p.Arg920Gln (NM_001105540.2); c.2195G>A, p.Arg732Gln (NM_001199266.2, NM_003646.4); c.2126G>A, p.Arg709Gln (NM_001199268.2); c.2243G>A, p.Arg748Gln (NM_201532.3); c.2207G>A, p.Arg736Gln (NM_201533.3); short protein forms R731Q, R732Q, R920Q, R709Q, R736Q, R748Q.
Identifiers: ClinVar variation 2189073 (VCV002189073.4), dbSNP rs756085944, ClinGen allele CA5963113.